The following is an entry in ClinVar:

NM_001042681.2(RERE):c.3743C>T (p.Pro1248Leu)

Gene: RERE (arginine-glutamic acid dipeptide repeats; minus strand). Cytogenetic location: 1p36.23.
Variant type: single nucleotide variant.
Coding change: c.3743C>T on transcript NM_001042681.2 (MANE Select); coding-DNA position 3743, C replaced by T.
Protein change: p.Pro1248Leu; replaces proline 1248 with leucine.
Molecular consequence: missense variant.
Genome position (GRCh38, 1-based): chr1:8,358,792, G>A on the plus strand (C>T on the coding strand, the complement: RERE is on the minus strand). VCF-style: chr1-8358792-G-A. GRCh37 (hg19) VCF-style: chr1-8418852-G-A.
Other names: c.2081C>T, p.Pro694Leu (NM_001042682.2); c.3743C>T, p.Pro1248Leu (NM_012102.4); short protein forms P1248L, P694L.
Identifiers: ClinVar variation 3393603 (VCV003393603.2).

ClinVar aggregate classification (germline): Uncertain significance. Review status: criteria provided, multiple submitters, no conflicts (2 of 4 stars). 2 submissions from 2 submitters: Uncertain significance (2). Last evaluated 2025-08-08.

Conditions:
Inborn genetic diseases. Identifiers: MedGen C0950123, MeSH D030342.

gnomAD v4.1: 1 of 1,612,816 alleles (0.000062%); highest among the groups gnomAD compares: Admixed American, 0.0017%; no homozygotes.

Submissions (2):

Ambry Genetics
Classification: Uncertain significance for Inborn genetic diseases. Last evaluated: 2025-08-08. Review status: criteria provided, single submitter. Criteria: Ambry Variant Classification Scheme 2023. Collection method: clinical testing. Allele origin: germline.

GeneDx
Classification: Uncertain significance. Last evaluated: 2024-07-06. Review status: criteria provided, single submitter. Criteria: GeneDx Variant Classification Process June 2021. Collection method: clinical testing. Allele origin: germline. Affected: yes.
Comment: Not observed at significant frequency in large population cohorts (gnomAD); In silico analysis supports that this missense variant has a deleterious effect on protein structure/function; Has not been previously published as pathogenic or benign to our knowledge